The following is an entry in ClinVar:

ClinVar aggregate classification (germline): Uncertain significance (1 of 4 stars; one submission).

Conditions:
Wilson disease (WND). Also called: Wilson's disease. Identifiers: Orphanet 905, MedGen C0019202, MONDO:0010200, OMIM 277900. Disease mechanism: loss of function.

Allele frequency attached by ClinVar (database versions not stated): TOPMed below 0.00001.

Submission:

All of Us Research Program, National Institutes of Health
Classification: Uncertain significance for Wilson disease. Last evaluated: 2023-03-23. Review status: criteria provided, single submitter. Criteria: ACMG Guidelines, 2015. Collection method: clinical testing. Allele origin: germline. Inheritance: Autosomal recessive inheritance. Observed: 1 variant allele, 1 heterozygote.
Comment: This missense variant replaces asparagine with isoleucine at codon 590 of the ATP7B protein. Computational prediction suggests that this variant may not impact protein structure and function (internally defined REVEL score threshold <= 0.5, PMID: 27666373). To our knowledge, functional studies have not been reported for this variant. This variant has not been reported in individuals affected with ATP7B-related disorders in the literature. This variant has not been identified in the general population by the Genome Aggregation Database (gnomAD). The available evidence is insufficient to determine the role of this variant in disease conclusively. Therefore, this variant is classified as a Variant of Uncertain Significance.

This study involves interpretation of variants in research participants for the purpose of population health screening. Participant phenotype was not available at the time of variant classification. Additional details can be found in publication PMID: 35346344, PMCID: PMC8962531

NM_000053.4(ATP7B):c.1769A>T (p.Asn590Ile)

Gene: ATP7B (ATPase copper transporting beta; minus strand). Cytogenetic location: 13q14.3.
Variant type: single nucleotide variant.
Coding change: c.1769A>T on transcript NM_000053.4 (MANE Select); coding-DNA position 1769, A replaced by T.
Protein change: p.Asn590Ile; replaces asparagine 590 with isoleucine.
Molecular consequence: missense variant. On other transcripts: intron variant (3).
Genome position (GRCh38, 1-based): chr13:51,964,972, T>A on the plus strand (A>T on the coding strand, the complement: ATP7B is on the minus strand). VCF-style: chr13-51964972-T-A. GRCh37 (hg19) VCF-style: chr13-52539108-T-A.
Other names: c.1769A>T, p.Asn590Ile (NM_001005918.3, NM_001330579.2, NM_001406511.1 and 24 more transcripts); c.1436A>T, p.Asn479Ile (NM_001243182.2); c.1736A>T, p.Asn579Ile (NM_001406514.1, NM_001406524.1); c.1673A>T, p.Asn558Ile (NM_001406517.1, NM_001406518.1, NM_001406530.1 and 3 more transcripts); c.1285+8963A>T (NM_001406548.1); c.1707+3472A>T (NM_001406547.1, NM_001406545.1); c.1340A>T, p.Asn447Ile (NM_001406539.1); short protein forms N447I, N479I, N558I, N579I, N590I.
Identifiers: ClinVar variation 3069918 (VCV003069918.1), dbSNP rs1286572439, ClinGen allele CA388030786.